The following is an entry in ClinVar:

NM_000939.4(POMC):c.198C>G (p.Asp66Glu)

Genes: POMC (proopiomelanocortin; minus strand), LOC129933280 (ATAC-STARR-seq lymphoblastoid silent region 11244; plus strand). Cytogenetic location: 2p23.3.
Variant type: single nucleotide variant.
Coding change: c.198C>G on transcript NM_000939.4 (MANE Select); coding-DNA position 198, C replaced by G.
Protein change: p.Asp66Glu; replaces aspartic acid 66 with glutamic acid.
Molecular consequence: missense variant.
Genome position (GRCh38, 1-based): chr2:25,161,687, G>C on the plus strand (C>G on the coding strand, the complement: POMC is on the minus strand). VCF-style: chr2-25161687-G-C. GRCh37 (hg19) VCF-style: chr2-25384556-G-C.
Other names: c.198C>G, p.Asp66Glu (NM_001035256.3, NM_001319204.2, NM_001319205.2); short protein forms D66E.
Identifiers: ClinVar variation 2634368 (VCV002634368.4), dbSNP rs762336368, ClinGen allele CA1555357.

ClinVar aggregate classification (germline): Uncertain significance (1 of 4 stars; one submission).

Conditions:
POMC-related disorder. Also called: POMC-related condition; POMC-related disorders.

Allele frequency attached by ClinVar (database versions not stated): gnomAD 0.00003; ExAC 0.00005; TOPMed 0.00006.
gnomAD v4.1: 11 of 1,578,576 alleles (0.0007%); highest among the groups gnomAD compares: African/African-American, 0.015%; no homozygotes.

Submission:

PreventionGenetics, part of Exact Sciences
Classification: Uncertain significance for POMC-related condition. Last evaluated: 2025-07-08. Review status: criteria provided, single submitter. Criteria: ACMG Guidelines, 2015. Collection method: clinical testing. Allele origin: germline.
Comment: The POMC c.198C>G variant is predicted to result in the amino acid substitution p.Asp66Glu. This variant was observed in a cohort of individuals with obesity, and in vitro functional studies showed this variant did not reduce protein function and could cause increased function (Supplemental Data Set 3, Shah et al. 2023. PubMed ID: 36864747). This variant is reported in 0.021% of alleles in individuals of African descent in gnomAD. At this time, the clinical significance of this variant is uncertain due to the absence of conclusive functional and genetic evidence.